The following is an entry in ClinVar:

NM_005732.4(RAD50):c.1487A>G (p.Asn496Ser)

Gene: RAD50 (RAD50 double strand break repair protein; plus strand). Cytogenetic location: 5q31.1.
Variant type: single nucleotide variant.
Coding change: c.1487A>G on transcript NM_005732.4 (MANE Select); coding-DNA position 1487, A replaced by G.
Protein change: p.Asn496Ser; replaces asparagine 496 with serine.
Molecular consequence: missense variant.
Genome position (GRCh38, 1-based): chr5:132,591,258, A>G. VCF-style: chr5-132591258-A-G. GRCh37 (hg19) VCF-style: chr5-131926950-A-G.
Other names: short protein forms N496S.
Identifiers: ClinVar variation 819347 (VCV000819347.13), dbSNP rs876658141, ClinGen allele CA360945552.
Genomic context (GRCh38, chr5:132,591,258, plus strand): 5'-TTGCATTTGTATGAATTATTGACTAGGAACGTGAGTTAAGCAAGGCTGAGAAAAACAGCA[A>G]TGTAGAAACCTTAAAAATGGAAGTAATAAGTCTCCAAAATGAAAAAGCAGACTTAGACAG-3'
Protein context (NP_005723.2, residues 486-506): RELSKAEKNS[Asn496Ser]VETLKMEVIS

ClinVar aggregate classification (germline): Uncertain significance. Review status: criteria provided, multiple submitters, no conflicts (2 of 4 stars). 2 submissions from 2 submitters: Uncertain significance (2). Last evaluated 2024-06-25.

Conditions:
Hereditary cancer-predisposing syndrome. Also called: Tumor predisposition; Hereditary neoplastic syndrome; Neoplastic Syndromes, Hereditary; Hereditary Cancer Syndrome. Identifiers: Orphanet 140162, MedGen C0027672, MeSH D009386, MONDO:0015356.

Submissions (2):

Ambry Genetics
Classification: Uncertain significance for Hereditary cancer-predisposing syndrome. Last evaluated: 2024-06-25. Review status: criteria provided, single submitter. Criteria: Ambry Variant Classification Scheme 2023. Collection method: clinical testing. Allele origin: germline.
Comment: The p.N496S variant (also known as c.1487A>G), located in coding exon 10 of the RAD50 gene, results from an A to G substitution at nucleotide position 1487. The asparagine at codon 496 is replaced by serine, an amino acid with highly similar properties. This amino acid position is not well conserved in available vertebrate species. In addition, this alteration is predicted to be tolerated by in silico analysis. Since supporting evidence is limited at this time, the clinical significance of this alteration remains unclear.

Labcorp Genetics (formerly Invitae), Labcorp
Classification: Uncertain significance for Hereditary cancer-predisposing syndrome. Last evaluated: 2024-05-14. Review status: criteria provided, single submitter. Criteria: Invitae Variant Classification Sherloc (09022015). Collection method: clinical testing. Allele origin: germline.
Comment: This sequence change replaces asparagine, which is neutral and polar, with serine, which is neutral and polar, at codon 496 of the RAD50 protein (p.Asn496Ser). This variant is not present in population databases (gnomAD no frequency). This variant has not been reported in the literature in individuals affected with RAD50-related conditions. ClinVar contains an entry for this variant (Variation ID: 819347). Advanced modeling of protein sequence and biophysical properties (such as structural, functional, and spatial information, amino acid conservation, physicochemical variation, residue mobility, and thermodynamic stability) performed at Invitae indicates that this missense variant is not expected to disrupt RAD50 protein function with a negative predictive value of 80%. In summary, the available evidence is currently insufficient to determine the role of this variant in disease. Therefore, it has been classified as a Variant of Uncertain Significance.